The following is an entry in ClinVar:

ClinVar aggregate classification (germline): Pathogenic (1 of 4 stars; one submission).

Conditions:
Rare genetic deafness. Identifiers: Orphanet 96210, MedGen C5680250.

Submission:

Laboratory for Molecular Medicine, Mass General Brigham Personalized Medicine
Classification: Pathogenic for Rare genetic deafness. Last evaluated: 2013-09-22. Review status: criteria provided, single submitter. Criteria: LMM Criteria. Collection method: clinical testing. Allele origin: germline. Inheritance: Autosomal recessive inheritance. Observed: 2 variant alleles.
Comment: The deletion of exons 47-49 in MYO7A has been reported in one individual with Us her syndrome, and was observed to be in compound heterozygosity with a second p athogenic MYO7A variant in this individual (Roux 2011). This variant deletes the last three exons of this gene and is predicated to lead to an absent or truncat ed protein. In summary, this variant meets our criteria to be classified as path ogenic.

Literature cited by the submitters: PubMed 21436283.

NM_000260.3(MYO7A):c.(?_6355)_(6648_?)del

Gene: MYO7A (myosin VIIA; plus strand). Cytogenetic location: 11q13.5.
Variant type: Deletion.
Coding change: c.(?_6355)_(6648_?)del on transcript NM_000260.3; a large deletion whose breakpoints are not mapped to the base.
Other names: c.(?_6355)_(6648_?)del (NM_000260.3).
Identifiers: ClinVar variation 179327 (VCV000179327.4).